The following is an entry in ClinVar:

NM_015915.5(ATL1):c.1458C>T (p.Ile486=)

Gene: ATL1 (atlastin GTPase 1; plus strand). Cytogenetic location: 14q22.1.
Variant type: single nucleotide variant.
Coding change: c.1458C>T on transcript NM_015915.5 (MANE Select); coding-DNA position 1458, C replaced by T.
Protein change: p.Ile486=; no amino-acid change (isoleucine 486 retained).
Molecular consequence: synonymous variant.
Genome position (GRCh38, 1-based): chr14:50,628,369, C>T. VCF-style: chr14-50628369-C-T. GRCh37 (hg19) VCF-style: chr14-51095087-C-T.
Other names: c.1458C>T (NM_015915.4); c.1458C>T, p.Ile486= (NM_001127713.1, NM_181598.4).
Identifiers: ClinVar variation 1170760 (VCV001170760.10), dbSNP rs200825678, ClinGen allele CA7180486.

ClinVar aggregate classification (germline): Benign/Likely benign. Review status: criteria provided, multiple submitters, no conflicts (2 of 4 stars). 2 submissions from 2 submitters: Benign (1); Likely benign (1). Last evaluated 2025-11-10.

Conditions:
Hereditary spastic paraplegia 3A (SPG3A). Also called: SPASTIC PARAPLEGIA 3, AUTOSOMAL DOMINANT; FAMILIAL SPASTIC PARAPLEGIA, AUTOSOMAL DOMINANT, 1; SPG3; STRUMPELL DISEASE; Spastic Paraplegia 3A; Spastic paraplegia 3A, autosomal dominant. Identifiers: Orphanet 100984, MedGen C2931355, MONDO:0008437, OMIM 182600.
ATL1-related disorder. Also called: ATL1-related condition.

Allele frequency attached by ClinVar (database versions not stated): gnomAD exomes 0.00010 and 0.00003; 1000 Genomes Project 30x 0.00016; 1000 Genomes Project 0.00020; gnomAD 0.00002 and 0.00005; TOPMed 0.00008; ExAC 0.00010.
gnomAD v4.1: 55 of 1,614,172 alleles (0.0034%); highest among the groups gnomAD compares: East Asian, 0.065%; no homozygotes.

Submissions (2):

Labcorp Genetics (formerly Invitae), Labcorp
Classification: Benign for Hereditary spastic paraplegia 3A. Last evaluated: 2025-11-10. Review status: criteria provided, single submitter. Criteria: Invitae Variant Classification Sherloc (09022015). Collection method: clinical testing. Allele origin: germline.

PreventionGenetics, part of Exact Sciences
Classification: Likely benign for ATL1-related condition. Last evaluated: 2025-10-21. Review status: criteria provided, single submitter. Criteria: ACMG Guidelines, 2015. Collection method: clinical testing. Allele origin: germline.
Comment: This variant is classified as likely benign based on ACMG/AMP sequence variant interpretation guidelines (Richards et al. 2015 PMID: 25741868, with internal and published modifications).